The following is an entry in ClinVar:

NM_144670.6(A2ML1):c.2881G>A (p.Asp961Asn)

Gene: A2ML1 (alpha-2-macroglobulin like 1; plus strand). Cytogenetic location: 12p13.31.
Variant type: single nucleotide variant.
Coding change: c.2881G>A on transcript NM_144670.6 (MANE Select); coding-DNA position 2881, G replaced by A.
Protein change: p.Asp961Asn; replaces aspartic acid 961 with asparagine.
Molecular consequence: missense variant.
Genome position (GRCh38, 1-based): chr12:8,857,196, G>A. VCF-style: chr12-8857196-G-A. GRCh37 (hg19) VCF-style: chr12-9009792-G-A.
Other names: c.2881G>A (NM_144670.3); c.1408G>A, p.Asp470Asn (NM_001282424.3); short protein forms D470N, D961N.
Identifiers: ClinVar variation 2420147 (VCV002420147.5), dbSNP rs1265181426, ClinGen allele CA383836128.

ClinVar aggregate classification (germline): Uncertain significance. Review status: criteria provided, multiple submitters, no conflicts (2 of 4 stars). 2 submissions from 2 submitters: Uncertain significance (2). Last evaluated 2025-12-16.

Allele frequency attached by ClinVar (database versions not stated): gnomAD exomes below 0.00001; TOPMed below 0.00001; gnomAD 0.00001.
gnomAD v4.1: 4 of 1,612,572 alleles (0.00025%); highest among the groups gnomAD compares: Non-Finnish European, 0.00034%; no homozygotes.

Submissions (2):

Ambry Genetics
Classification: Uncertain significance. Last evaluated: 2025-12-16. Review status: criteria provided, single submitter. Criteria: Ambry Variant Classification Scheme 2023. Collection method: clinical testing. Allele origin: germline.
Comment: The p.D961N variant (also known as c.2881G>A), located in coding exon 24 of the A2ML1 gene, results from a G to A substitution at nucleotide position 2881. The aspartic acid at codon 961 is replaced by asparagine, an amino acid with highly similar properties. This amino acid position is conserved. In addition, this alteration is predicted to be tolerated by in silico analysis. Based on the available evidence, the clinical significance of this variant remains unclear.

Labcorp Genetics (formerly Invitae), Labcorp
Classification: Uncertain significance. Last evaluated: 2022-02-25. Review status: criteria provided, single submitter. Criteria: Invitae Variant Classification Sherloc (09022015). Collection method: clinical testing. Allele origin: germline.
Comment: This variant has not been reported in the literature in individuals affected with A2ML1-related conditions. This sequence change replaces aspartic acid, which is acidic and polar, with asparagine, which is neutral and polar, at codon 961 of the A2ML1 protein (p.Asp961Asn). This variant is present in population databases (no rsID available, gnomAD 0.004%). Algorithms developed to predict the effect of missense changes on protein structure and function (SIFT, PolyPhen-2, Align-GVGD) all suggest that this variant is likely to be tolerated. In summary, the available evidence is currently insufficient to determine the role of this variant in disease. Therefore, it has been classified as a Variant of Uncertain Significance.